The following is an entry in ClinVar:

NM_001283009.2(RTEL1):c.640A>T (p.Asn214Tyr)

Genes: RTEL1 (regulator of telomere elongation helicase 1; plus strand), RTEL1-TNFRSF6B (RTEL1-TNFRSF6B readthrough (NMD candidate); plus strand). Cytogenetic location: 20q13.33.
Variant type: single nucleotide variant.
Coding change: c.640A>T on transcript NM_001283009.2 (MANE Select); coding-DNA position 640, A replaced by T.
Protein change: p.Asn214Tyr; replaces asparagine 214 with tyrosine.
Molecular consequence: missense variant. On other transcripts: non-coding transcript variant (1), 5 prime UTR variant (1).
Genome position (GRCh38, 1-based): chr20:63,667,494, A>T. VCF-style: chr20-63667494-A-T. GRCh37 (hg19) VCF-style: chr20-62298847-A-T.
Other names: c.-30A>T (NM_001283010.1); c.640A>T, p.Asn214Tyr (NM_016434.4); c.712A>T, p.Asn238Tyr (NM_032957.5); short protein forms N214Y, N238Y.
Identifiers: ClinVar variation 565342 (VCV000565342.15), dbSNP rs746411863, ClinGen allele CA9964383.

ClinVar aggregate classification (germline): Uncertain significance. Review status: criteria provided, multiple submitters, no conflicts (2 of 4 stars). 6 submissions from 6 submitters: Uncertain significance (5). 1 of the submissions does not count toward it. Last evaluated 2026-01-12.

Conditions:
Dyskeratosis congenita, autosomal recessive 5 (DKCB5). Identifiers: MedGen C3554656, MONDO:0014076, OMIM 615190.
Pulmonary fibrosis and/or bone marrow failure, Telomere-related, 3. Also called: PULMONARY FIBROSIS AND/OR BONE MARROW FAILURE SYNDROME, TELOMERE-RELATED, 3. Identifiers: Orphanet 2032, MedGen C4225346, MONDO:0014613, OMIM 616373.
Dyskeratosis congenita. Identifiers: Orphanet 1775, MedGen C0265965, MONDO:0015780.
Dyskeratosis congenita, autosomal dominant 1 (DKCA1). Also called: Dyskeratosis congenita Scoggins type. Identifiers: Orphanet 1775, MedGen C4551974, MONDO:0007485, OMIM 127550. Inheritance: Variable.

Allele frequency attached by ClinVar (database versions not stated): gnomAD 0.00005; gnomAD exomes 0.00011 and 0.00025; TOPMed 0.00012; ExAC 0.00023.
gnomAD v4.1: 71 of 1,613,720 alleles (0.0044%); highest among the groups gnomAD compares: Admixed American, 0.12%; no homozygotes.

Submissions (6):

Labcorp Genetics (formerly Invitae), Labcorp
Classification: Uncertain significance for Dyskeratosis congenita, autosomal recessive 5; Pulmonary fibrosis and/or bone marrow failure, Telomere-related, 3. Last evaluated: 2026-01-12. Review status: criteria provided, single submitter. Criteria: Invitae Variant Classification Sherloc (09022015). Collection method: clinical testing. Allele origin: germline.
Comment: This sequence change replaces asparagine, which is neutral and polar, with tyrosine, which is neutral and polar, at codon 214 of the RTEL1 protein (p.Asn214Tyr). This variant is present in population databases (rs746411863, gnomAD 0.2%). This variant has not been reported in the literature in individuals affected with RTEL1-related conditions. This variant is also known as NM_032957.4:c.712A>T (p.Asn238Tyr). ClinVar contains an entry for this variant (Variation ID: 565342). An algorithm developed to predict the effect of missense changes on protein structure and function (PolyPhen-2) suggests that this variant is likely to be disruptive. In summary, the available evidence is currently insufficient to determine the role of this variant in disease. Therefore, it has been classified as a Variant of Uncertain Significance.

GeneDx
Classification: Uncertain significance. Last evaluated: 2023-06-28. Review status: criteria provided, single submitter. Criteria: GeneDx Variant Classification Process June 2021. Collection method: clinical testing. Allele origin: germline. Affected: yes.
Comment: In silico analysis supports that this missense variant has a deleterious effect on protein structure/function; Has not been previously published as pathogenic or benign to our knowledge

Sema4
Classification: Uncertain significance for Dyskeratosis congenita. Last evaluated: 2022-01-06. Review status: criteria provided, single submitter. Criteria: Sema4 Curation Guidelines. Collection method: curation. Allele origin: germline.
Comment: The RTEL1 c.640A>T (p.N214Y) variant has not been reported in the literature to our knowledge. This variant has been reported in 64/35432 chromosomes in the Latino subpopulation, including no homozygotes, in the large and broad cohorts of the Genome Aggregation Database (PMID: 32461654). This variant has been reported in ClinVar (Variation ID: 565342). Functional studies have not been performed, and in silico predictions of the variant's effect on protein function are inconclusive. The evidence is insufficient to meet ACMG/AMP criteria for classifying the variant as benign or pathogenic. Thus, the clinical significance of this variant is currently uncertain.

Blueprint Genetics
Classification: Uncertain significance. Last evaluated: 2021-06-04. Review status: criteria provided, single submitter. Criteria: ACMG Guidelines, 2015. Collection method: clinical testing. Allele origin: germline.

Center for Genomics, Ann and Robert H. Lurie Children's Hospital of Chicago
Classification: Uncertain significance for Pulmonary fibrosis and/or bone marrow failure, Telomere-related, 3; Dyskeratosis congenita, autosomal recessive 5. Review status: criteria provided, single submitter. Criteria: ACMG Guidelines, 2015. Collection method: clinical testing. Allele origin: germline.
Comment: RTEL1 NM_032957.4 exon 8 p.Asn238Tyr (c.712A>T): This variant has not been reported in the literature, but it is present in 0.2% (62/34418) of Latino alleles in the Genome Aggregation Database. Computational predictive tools suggest that this variant may impact the protein, although evolutionary conservation is unclear. In summary, data on this variant are insufficient for disease classification. Therefore, the clinical significance of this variant is uncertain.

Natera, Inc.
Classification: Uncertain significance for Autosomal dominant dyskeratosis congenita. Last evaluated: 2020-06-12. Review status: no assertion criteria provided. Collection method: clinical testing. Allele origin: germline. Not counted in ClinVar's aggregate classification.